The following is an entry in ClinVar:

NM_000098.3(CPT2):c.82G>C (p.Gly28Arg)

Genes: CPT2 (carnitine palmitoyltransferase 2; plus strand), LOC129930561 (ATAC-STARR-seq lymphoblastoid silent region 902; plus strand). Cytogenetic location: 1p32.3.
Variant type: single nucleotide variant.
Coding change: c.82G>C on transcript NM_000098.3 (MANE Select); coding-DNA position 82, G replaced by C.
Protein change: p.Gly28Arg; replaces glycine 28 with arginine.
Molecular consequence: missense variant.
Genome position (GRCh38, 1-based): chr1:53,197,025, G>C. VCF-style: chr1-53197025-G-C. GRCh37 (hg19) VCF-style: chr1-53662697-G-C.
Other names: c.82G>C, p.Gly28Arg (NM_001330589.2); short protein forms G28R.
Identifiers: ClinVar variation 1717381 (VCV001717381.6), dbSNP rs1235656058, ClinGen allele CA340388703.
Genomic context (GRCh38, chr1:53,197,025, plus strand): 5'-CGCGCCTGGCCCCGGGGCCCCGCGGTTGGTCCGGGAGCCCCCAGTCGGCCCCTCAGCGCC[G>C]GCTCCGGGCCCGGCCAGTACCTGCAGCGCAGCATCGTGCCCACCATGCACTACCAGGACA-3'
Protein context (NP_000089.1, residues 18-38): PGAPSRPLSA[Gly28Arg]SGPGQYLQRS

ClinVar aggregate classification (germline): Uncertain significance (1 of 4 stars; one submission).

Conditions:
Carnitine palmitoyltransferase II deficiency. Also called: Carnitine Palmitoyltransferase 2 Deficiency. Identifiers: Orphanet 157, MedGen C0342790, MONDO:0015515.

Submission:

Labcorp Genetics (formerly Invitae), Labcorp
Classification: Uncertain significance for Carnitine palmitoyltransferase II deficiency. Last evaluated: 2024-08-06. Review status: criteria provided, single submitter. Criteria: Invitae Variant Classification Sherloc (09022015). Collection method: clinical testing. Allele origin: germline.
Comment: This sequence change replaces glycine, which is neutral and non-polar, with arginine, which is basic and polar, at codon 28 of the CPT2 protein (p.Gly28Arg). This variant is not present in population databases (gnomAD no frequency). This variant has not been reported in the literature in individuals affected with CPT2-related conditions. ClinVar contains an entry for this variant (Variation ID: 1717381). Advanced modeling of protein sequence and biophysical properties (such as structural, functional, and spatial information, amino acid conservation, physicochemical variation, residue mobility, and thermodynamic stability) performed at Invitae indicates that this missense variant is not expected to disrupt CPT2 protein function with a negative predictive value of 95%. In summary, the available evidence is currently insufficient to determine the role of this variant in disease. Therefore, it has been classified as a Variant of Uncertain Significance.